The following is an entry in ClinVar:

ClinVar aggregate classification (germline): Uncertain significance (1 of 4 stars; one submission).

Conditions:
Hyperkalemic periodic paralysis. Also called: Familial hyperkalemic periodic paralysis; Gamstorp disease. Identifiers: Orphanet 682, MedGen C0238357, MONDO:0008224, OMIM 170500, HP:0007215.

Submission:

Labcorp Genetics (formerly Invitae), Labcorp
Classification: Uncertain significance for Hyperkalemic periodic paralysis. Last evaluated: 2022-07-17. Review status: criteria provided, single submitter. Criteria: Invitae Variant Classification Sherloc (09022015). Collection method: clinical testing. Allele origin: germline.
Comment: A copy number gain of the genomic region encompassing the full coding sequence of the SCN4A gene has been identified. The boundaries of this event are unknown as they extend beyond the assayed region for this gene and therefore may encompass additional genes. As the precise location of this event is unknown, it may be in tandem or it may be located elsewhere in the genome. This variant has not been reported in the literature in individuals affected with SCN4A-related conditions. In summary, the available evidence is currently insufficient to determine the role of this variant in disease. Therefore, it has been classified as a Variant of Uncertain Significance.

NC_000017.10:g.(?_62006586)_(62050201_?)dup

Genes: CD79B (CD79b molecule; minus strand), SCN4A (sodium voltage-gated channel alpha subunit 4; minus strand). Cytogenetic location: 17q23.3.
Variant type: Duplication.
Identifiers: ClinVar variation 2422914 (VCV002422914.9).